The following is an entry in ClinVar:

NM_001458.5(FLNC):c.6209-145C>G

Genes: FLNC (filamin C; plus strand), FLNC-AS1 (FLNC antisense RNA 1; minus strand). Cytogenetic location: 7q32.1.
Variant type: single nucleotide variant.
Coding change: c.6209-145C>G on transcript NM_001458.5 (MANE Select); 145 bases into the intron before coding-DNA position 6209, C replaced by G.
Molecular consequence: intron variant. On other transcripts: non-coding transcript variant (1).
Genome position (GRCh38, 1-based): chr7:128,853,324, C>G. VCF-style: chr7-128853324-C-G. GRCh37 (hg19) VCF-style: chr7-128493378-C-G.
Other names: c.6110-145C>G (NM_001127487.2).
Identifiers: ClinVar variation 678401 (VCV000678401.2), dbSNP rs113098816, ClinGen allele CA166190487.

ClinVar aggregate classification (germline): Likely benign. Review status: criteria provided, multiple submitters, no conflicts (2 of 4 stars). 2 submissions from 2 submitters: Likely benign (2). Last evaluated 2018-06-14.

Allele frequency attached by ClinVar (database versions not stated): TOPMed 0.01639; 1000 Genomes Project 0.01917; 1000 Genomes Project 30x 0.02046.
gnomAD v4.1: 3,514 of 1,027,666 alleles (0.34%); highest among the groups gnomAD compares: African/African-American, 5%; 95 homozygotes.

Submissions (2):

GeneDx
Classification: Likely benign. Last evaluated: 2018-06-14. Review status: criteria provided, single submitter. Criteria: GeneDx Variant Classification (06012015). Collection method: clinical testing. Allele origin: germline. Affected: yes.
Comment: This variant is considered likely benign or benign based on one or more of the following criteria: it is a conservative change, it occurs at a poorly conserved position in the protein, it is predicted to be benign by multiple in silico algorithms, and/or has population frequency not consistent with disease.

Breakthrough Genomics
Classification: Likely benign. Review status: criteria provided, single submitter. Criteria: ACMG Guidelines, 2015. Collection method: not provided. Allele origin: germline. Inheritance: Autosomal dominant inheritance. Affected: yes.